The following is an entry in ClinVar:

NM_001793.6(CDH3):c.2423A>T (p.Tyr808Phe)

Gene: CDH3 (cadherin 3; plus strand). Cytogenetic location: 16q22.1.
Variant type: single nucleotide variant.
Coding change: c.2423A>T on transcript NM_001793.6 (MANE Select); coding-DNA position 2423, A replaced by T.
Protein change: p.Tyr808Phe; replaces tyrosine 808 with phenylalanine.
Molecular consequence: missense variant. On other transcripts: 3 prime UTR variant (1).
Genome position (GRCh38, 1-based): chr16:68,698,333, A>T. VCF-style: chr16-68698333-A-T. GRCh37 (hg19) VCF-style: chr16-68732236-A-T.
Other names: c.*166A>T (NM_001317195.3); c.2258A>T, p.Tyr753Phe (NM_001317196.2); short protein forms Y753F, Y808F.
Identifiers: ClinVar variation 2101630 (VCV002101630.4), dbSNP rs747630152, ClinGen allele CA8129736.

ClinVar aggregate classification (germline): Uncertain significance (1 of 4 stars; one submission).

Allele frequency attached by ClinVar (database versions not stated): gnomAD exomes below 0.00001; ExAC 0.00001.
gnomAD v4.1: 1 of 1,614,204 alleles (0.000062%); highest among the groups gnomAD compares: Non-Finnish European, 0.000085%; no homozygotes.

Submission:

Labcorp Genetics (formerly Invitae), Labcorp
Classification: Uncertain significance. Last evaluated: 2022-02-22. Review status: criteria provided, single submitter. Criteria: Invitae Variant Classification Sherloc (09022015). Collection method: clinical testing. Allele origin: germline.
Comment: This sequence change replaces tyrosine, which is neutral and polar, with phenylalanine, which is neutral and non-polar, at codon 808 of the CDH3 protein (p.Tyr808Phe). This variant is present in population databases (rs747630152, gnomAD 0.0009%). This variant has not been reported in the literature in individuals affected with CDH3-related conditions. Algorithms developed to predict the effect of missense changes on protein structure and function are either unavailable or do not agree on the potential impact of this missense change (SIFT: "Not Available"; PolyPhen-2: "Probably Damaging"; Align-GVGD: "Not Available"). In summary, the available evidence is currently insufficient to determine the role of this variant in disease. Therefore, it has been classified as a Variant of Uncertain Significance.